The following is an entry in ClinVar:

ClinVar aggregate classification (germline): Pathogenic (1 of 4 stars; one submission).

Conditions:
Recessive dystrophic epidermolysis bullosa (RDEB). Also called: Epidermolysis Bullosa Distrophica Autosomal Recessive (RDEB); Recessive DEB (RDEB); DYSTROPHIC EPIDERMOLYSIS BULLOSA, AUTOSOMAL RECESSIVE; EPIDERMOLYSIS BULLOSA DYSTROPHICA, HALLOPEAU-SIEMENS TYPE; severe generalized recessive dystrophic epidermolysis bullosa; epidermolysis bullosa dystrophica, autosomal recessive. Identifiers: Orphanet 79408, Orphanet 79409, MedGen C0079474, MONDO:0009179, OMIM 226600.

gnomAD v4.1: 12 of 1,614,152 alleles (0.00074%); highest among the groups gnomAD compares: Non-Finnish European, 0.001%; no homozygotes.

Submission:

Myriad Genetics, Inc.
Classification: Pathogenic for Recessive dystrophic epidermolysis bullosa. Last evaluated: 2026-02-19. Review status: criteria provided, single submitter. Criteria: Myriad Autosomal Dominant, Autosomal Recessive and X-Linked Classification Criteria (2023). Collection method: clinical testing. Allele origin: unknown.
Comment: NM_000094.3(COL7A1):c.6476G>A(G2159D) is a missense variant classified as pathogenic in the context of dystrophic epidermolysis bullosa. G2159D has been observed in cases with relevant disease (PMID: 19197535, 27899325). Relevant functional assessments of this variant are not available in the literature. Internal structural analysis of the variant is supportive of pathogenicity. G2159D has been observed in referenced population frequency databases. In summary, NM_000094.3(COL7A1):c.6476G>A(G2159D) is a missense variant that has internal structural support for pathogenicity and has been observed more frequently in cases with the relevant disease than in healthy populations. Please note: this variant was assessed in the context of healthy population screening.

Literature cited by the submitters: PubMed 19197535; PubMed 27899325.

NM_000094.4(COL7A1):c.6476G>A (p.Gly2159Asp)

Gene: COL7A1 (collagen type VII alpha 1 chain; minus strand). Cytogenetic location: 3p21.31.
Variant type: single nucleotide variant.
Coding change: c.6476G>A on transcript NM_000094.4 (MANE Select); coding-DNA position 6476, G replaced by A.
Protein change: p.Gly2159Asp; replaces glycine 2159 with aspartic acid.
Molecular consequence: missense variant.
Genome position (GRCh38, 1-based): chr3:48,574,287, C>T on the plus strand (G>A on the coding strand, the complement: COL7A1 is on the minus strand). VCF-style: chr3-48574287-C-T. GRCh37 (hg19) VCF-style: chr3-48611720-C-T.
Other names: short protein forms G2159D.
Identifiers: ClinVar variation 5004477 (VCV005004477.1).